The following is an entry in ClinVar:

NM_015450.3(POT1):c.450A>T (p.Leu150Phe)

Gene: POT1 (protection of telomeres 1; minus strand). Cytogenetic location: 7q31.33.
Variant type: single nucleotide variant.
Coding change: c.450A>T on transcript NM_015450.3 (MANE Select); coding-DNA position 450, A replaced by T.
Protein change: p.Leu150Phe; replaces leucine 150 with phenylalanine.
Molecular consequence: missense variant. On other transcripts: non-coding transcript variant (3).
Genome position (GRCh38, 1-based): chr7:124,863,446, T>A on the plus strand (A>T on the coding strand, the complement: POT1 is on the minus strand). VCF-style: chr7-124863446-T-A. GRCh37 (hg19) VCF-style: chr7-124503500-T-A.
Other names: c.57A>T, p.Leu19Phe (NM_001042594.2); short protein forms L150F, L19F.
Identifiers: ClinVar variation 4673491 (VCV004673491.2).

ClinVar aggregate classification (germline): Uncertain significance. Review status: criteria provided, multiple submitters, no conflicts (2 of 4 stars). 2 submissions from 2 submitters: Uncertain significance (2). Last evaluated 2025-09-29.

Conditions:
Hereditary cancer-predisposing syndrome. Also called: Neoplastic Syndromes, Hereditary; Tumor predisposition; Hereditary Cancer Syndrome; Hereditary neoplastic syndrome. Identifiers: Orphanet 140162, MedGen C0027672, MeSH D009386, MONDO:0015356.
Tumor predisposition syndrome 3 (TPDS3). Also called: Melanoma, cutaneous malignant, susceptibility to, 10; Glioma susceptibility 9; LONG TELOMERE SYNDROME, POT1-RELATED; POT1 Tumor Predisposition. Identifiers: Orphanet 618, MedGen C4014476, MONDO:0014368, OMIM 615848.

Submissions (2):

Ambry Genetics
Classification: Uncertain significance for Hereditary cancer-predisposing syndrome. Last evaluated: 2025-09-29. Review status: criteria provided, single submitter. Criteria: Ambry Variant Classification Scheme 2023. Collection method: clinical testing. Allele origin: germline.
Comment: The p.L150F variant (also known as c.450A>T), located in coding exon 4 of the POT1 gene, results from an A to T substitution at nucleotide position 450. The leucine at codon 150 is replaced by phenylalanine, an amino acid with highly similar properties. This amino acid position is conserved. In addition, this alteration is predicted to be tolerated by in silico analysis. Based on the available evidence, the clinical significance of this variant remains unclear.

Labcorp Genetics (formerly Invitae), Labcorp
Classification: Uncertain significance for Tumor predisposition syndrome 3. Last evaluated: 2025-03-30. Review status: criteria provided, single submitter. Criteria: Invitae Variant Classification Sherloc (09022015). Collection method: clinical testing. Allele origin: germline.
Comment: This sequence change replaces leucine, which is neutral and non-polar, with phenylalanine, which is neutral and non-polar, at codon 150 of the POT1 protein (p.Leu150Phe). This variant is not present in population databases (gnomAD no frequency). This variant has not been reported in the literature in individuals affected with POT1-related conditions. Invitae Evidence Modeling of protein sequence and biophysical properties (such as structural, functional, and spatial information, amino acid conservation, physicochemical variation, residue mobility, and thermodynamic stability) indicates that this missense variant is not expected to disrupt POT1 protein function with a negative predictive value of 80%. In summary, the available evidence is currently insufficient to determine the role of this variant in disease. Therefore, it has been classified as a Variant of Uncertain Significance.